The following is an entry in ClinVar:

ClinVar aggregate classification (germline): Uncertain significance (1 of 4 stars; one submission).

Conditions:
Hereditary cancer-predisposing syndrome. Also called: Hereditary Cancer Syndrome; Hereditary neoplastic syndrome; Neoplastic Syndromes, Hereditary; Tumor predisposition. Identifiers: Orphanet 140162, MedGen C0027672, MeSH D009386, MONDO:0015356.

Allele frequency attached by ClinVar (database versions not stated): TOPMed below 0.00001; ExAC 0.00001; gnomAD 0.00001; ESP Exome Variant Server 0.00008.

Submission:

Ambry Genetics
Classification: Uncertain significance for Hereditary cancer-predisposing syndrome. Last evaluated: 2022-03-29. Review status: criteria provided, single submitter. Criteria: Ambry Variant Classification Scheme 2023. Collection method: clinical testing. Allele origin: germline.
Comment: The p.P20Q variant (also known as c.59C>A), located in coding exon 1 of the GREM1 gene, results from a C to A substitution at nucleotide position 59. The proline at codon 20 is replaced by glutamine, an amino acid with similar properties. This amino acid position is conserved. In addition, this alteration is predicted to be tolerated by in silico analysis. Since supporting evidence is limited at this time, the clinical significance of this alteration remains unclear.

NM_013372.7(GREM1):c.59C>A (p.Pro20Gln)

Gene: GREM1 (gremlin 1, DAN family BMP antagonist; plus strand). Cytogenetic location: 15q13.3.
Variant type: single nucleotide variant.
Coding change: c.59C>A on transcript NM_013372.7 (MANE Select); coding-DNA position 59, C replaced by A.
Protein change: p.Pro20Gln; replaces proline 20 with glutamine.
Molecular consequence: missense variant. On other transcripts: intron variant (1).
Genome position (GRCh38, 1-based): chr15:32,730,749, C>A. VCF-style: chr15-32730749-C-A. GRCh37 (hg19) VCF-style: chr15-33022950-C-A.
Other names: c.59C>A, p.Pro20Gln (NM_001191323.2, NM_001368719.1); c.27+32C>A (NM_001191322.2); short protein forms P20Q.
Identifiers: ClinVar variation 1750954 (VCV001750954.2), dbSNP rs148668967, ClinGen allele CA7456099.